The following is an entry in ClinVar:

ClinVar aggregate classification (germline): Pathogenic (1 of 4 stars; one submission).

Conditions:
Renal carnitine transport defect (CDSP). Also called: Systemic primary carnitine deficiency disease; CARNITINE DEFICIENCY, SYSTEMIC, DUE TO DEFECT IN RENAL REABSORPTION OF CARNITINE; CARNITINE TRANSPORTER, PLASMA-MEMBRANE, DEFICIENCY OF; CARNITINE UPTAKE DEFECT; Primary carnitine deficiency; Carnitine transporter deficiency. Identifiers: Orphanet 158, MedGen C0342788, MONDO:0008919, OMIM 212140.

Submission:

Labcorp Genetics (formerly Invitae), Labcorp
Classification: Pathogenic for Renal carnitine transport defect. Last evaluated: 2020-06-26. Review status: criteria provided, single submitter. Criteria: Invitae Variant Classification Sherloc (09022015). Collection method: clinical testing. Allele origin: germline.
Comment: This sequence change creates a premature translational stop signal (p.Ser160*) in the SLC22A5 gene. It is expected to result in an absent or disrupted protein product. This variant is not present in population databases (ExAC no frequency). This variant has not been reported in the literature in individuals with SLC22A5-related conditions. Loss-of-function variants in SLC22A5 are known to be pathogenic (PMID: 9916797). For these reasons, this variant has been classified as Pathogenic.

Literature cited by the submitters: PubMed 9916797.

NM_003060.4(SLC22A5):c.479C>A (p.Ser160Ter)

Gene: SLC22A5 (solute carrier family 22 member 5; plus strand). Cytogenetic location: 5q31.1.
Variant type: single nucleotide variant.
Coding change: c.479C>A on transcript NM_003060.4 (MANE Select); coding-DNA position 479, C replaced by A.
Protein change: p.Ser160Ter; replaces serine 160 with a stop codon.
Molecular consequence: nonsense.
Genome position (GRCh38, 1-based): chr5:132,378,463, C>A. VCF-style: chr5-132378463-C-A. GRCh37 (hg19) VCF-style: chr5-131714155-C-A.
Other names: c.551C>A, p.Ser184Ter (NM_001308122.2); short protein forms S160*, S184*.
Identifiers: ClinVar variation 1074182 (VCV001074182.7), dbSNP rs2126775809, ClinGen allele CA360803754.